The following is an entry in ClinVar:

NM_000083.3(CLCN1):c.697-215C>T

Gene: CLCN1 (chloride voltage-gated channel 1; plus strand). Cytogenetic location: 7q34.
Variant type: single nucleotide variant.
Coding change: c.697-215C>T on transcript NM_000083.3 (MANE Select); 215 bases into the intron before coding-DNA position 697, C replaced by T.
Molecular consequence: intron variant.
Genome position (GRCh38, 1-based): chr7:143,323,094, C>T. VCF-style: chr7-143323094-C-T. GRCh37 (hg19) VCF-style: chr7-143020187-C-T.
Identifiers: ClinVar variation 4538323 (VCV004538323.1).

ClinVar aggregate classification (germline): Uncertain significance (1 of 4 stars; one submission).

Submission:

Greenwood Genetic Center Diagnostic Laboratories, Greenwood Genetic Center
Classification: Uncertain significance. Last evaluated: 2025-04-10. Review status: criteria provided, single submitter. Criteria: ACMG Guidelines, 2015. Collection method: clinical testing. Allele origin: germline. Affected: yes.
Comment: PM2, PM3_Supporting, BP4